The following is an entry in ClinVar:

ClinVar aggregate classification (germline): Conflicting classifications of pathogenicity. Review status: criteria provided, conflicting classifications (1 of 4 stars). 2 submissions from 2 submitters: Uncertain significance (1); Likely benign (1). Last evaluated 2025-10-28.

Conditions:
Inborn genetic diseases. Identifiers: MedGen C0950123, MeSH D030342.

Allele frequency attached by ClinVar (database versions not stated): ExAC 0.00011; gnomAD exomes 0.00016 and 0.00022; gnomAD 0.00019 and 0.00020; TOPMed 0.00020; ESP Exome Variant Server 0.00025; 1000 Genomes Project 30x 0.00031; 1000 Genomes Project 0.00040.
gnomAD v4.1: 354 of 1,614,006 alleles (0.022%); highest among the groups gnomAD compares: Admixed American, 0.035%; no homozygotes.

Submissions (2):

Labcorp Genetics (formerly Invitae), Labcorp
Classification: Uncertain significance. Last evaluated: 2025-10-28. Review status: criteria provided, single submitter. Criteria: Invitae Variant Classification Sherloc (09022015). Collection method: clinical testing. Allele origin: germline.
Comment: This sequence change replaces aspartic acid, which is acidic and polar, with valine, which is neutral and non-polar, at codon 1224 of the ASXL2 protein (p.Asp1224Val). This variant is present in population databases (rs202092276, gnomAD 0.04%), and has an allele count higher than expected for a pathogenic variant. This variant has not been reported in the literature in individuals affected with ASXL2-related conditions. ClinVar contains an entry for this variant (Variation ID: 1409246). Invitae Evidence Modeling of protein sequence and biophysical properties (such as structural, functional, and spatial information, amino acid conservation, physicochemical variation, residue mobility, and thermodynamic stability) indicates that this missense variant is not expected to disrupt ASXL2 protein function with a negative predictive value of 80%. In summary, the available evidence is currently insufficient to determine the role of this variant in disease. Therefore, it has been classified as a Variant of Uncertain Significance.

Ambry Genetics
Classification: Likely benign for Inborn genetic diseases. Last evaluated: 2023-01-26. Review status: criteria provided, single submitter. Criteria: Ambry Variant Classification Scheme 2023. Collection method: clinical testing. Allele origin: germline.

NM_018263.6(ASXL2):c.3671A>T (p.Asp1224Val)

Gene: ASXL2 (ASXL transcriptional regulator 2; minus strand). Cytogenetic location: 2p23.3.
Variant type: single nucleotide variant.
Coding change: c.3671A>T on transcript NM_018263.6 (MANE Select); coding-DNA position 3671, A replaced by T.
Protein change: p.Asp1224Val; replaces aspartic acid 1224 with valine.
Molecular consequence: missense variant.
Genome position (GRCh38, 1-based): chr2:25,742,666, T>A on the plus strand (A>T on the coding strand, the complement: ASXL2 is on the minus strand). VCF-style: chr2-25742666-T-A. GRCh37 (hg19) VCF-style: chr2-25965535-T-A.
Other names: c.3497A>T, p.Asp1166Val (NM_001369346.1); c.2891A>T, p.Asp964Val (NM_001369347.1); c.3671A>T (NM_018263.4); short protein forms D964V, D1166V, D1224V.
Identifiers: ClinVar variation 1409246 (VCV001409246.9), dbSNP rs202092276, ClinGen allele CA1557437.